The following is an entry in ClinVar:

ClinVar aggregate classification (germline): Uncertain significance. Review status: criteria provided, multiple submitters, no conflicts (2 of 4 stars). 2 submissions from 2 submitters: Uncertain significance (2). Last evaluated 2024-11-05.

gnomAD v4.1: 596 of 1,611,468 alleles (0.037%); highest among the groups gnomAD compares: South Asian, 0.051%; 1 homozygote.

Submissions (2):

GeneDx
Classification: Uncertain significance. Last evaluated: 2024-11-05. Review status: criteria provided, single submitter. Criteria: GeneDx Variant Classification Process June 2021. Collection method: clinical testing. Allele origin: germline. Affected: yes.
Comment: In silico analysis indicates that this missense variant does not alter protein structure/function; Has not been previously published as pathogenic or benign to our knowledge

Ambry Genetics
Classification: Uncertain significance. Last evaluated: 2024-05-24. Review status: criteria provided, single submitter. Criteria: Ambry Variant Classification Scheme 2023. Collection method: clinical testing. Allele origin: germline.

NM_001039111.3(TRIM71):c.31A>G (p.Ile11Val)

Gene: TRIM71 (tripartite motif containing 71; plus strand). Cytogenetic location: 3p22.3.
Variant type: single nucleotide variant.
Coding change: c.31A>G on transcript NM_001039111.3 (MANE Select); coding-DNA position 31, A replaced by G.
Protein change: p.Ile11Val; replaces isoleucine 11 with valine.
Molecular consequence: missense variant.
Genome position (GRCh38, 1-based): chr3:32,818,111, A>G. VCF-style: chr3-32818111-A-G. GRCh37 (hg19) VCF-style: chr3-32859603-A-G.
Other names: c.31A>G (NM_001039111.2); short protein forms I11V.
Identifiers: ClinVar variation 3328931 (VCV003328931.2).